The following is an entry in ClinVar:

ClinVar aggregate classification (germline): Benign/Likely benign. Review status: criteria provided, multiple submitters, no conflicts (2 of 4 stars). 4 submissions from 4 submitters: Benign (2); Likely benign (1). 1 of the submissions does not count toward it. Last evaluated 2023-04-11.

Conditions:
SASS6-related disorder. Also called: SASS6-related condition.
Microcephaly 14, primary, autosomal recessive. Identifiers: Orphanet 2512, MedGen C4225338, MONDO:0014623, OMIM 616402.

Allele frequency attached by ClinVar (database versions not stated): gnomAD 0.00001 and 0.00044; ESP Exome Variant Server 0.00008; TOPMed 0.00008; gnomAD exomes 0.00059 and 0.00101; ExAC 0.00129; 1000 Genomes Project 30x 0.00312; 1000 Genomes Project 0.00319.

Submissions (4):

Genome-Nilou Lab
Classification: Benign for Microcephaly 14, primary, autosomal recessive. Last evaluated: 2023-04-11. Review status: criteria provided, single submitter. Criteria: ACMG Guidelines, 2015. Collection method: clinical testing. Allele origin: germline. Affected: no.

Labcorp Genetics (formerly Invitae), Labcorp
Classification: Likely benign. Last evaluated: 2018-04-30. Review status: criteria provided, single submitter. Criteria: Invitae Variant Classification Sherloc (09022015). Collection method: clinical testing. Allele origin: germline.

Genetic Services Laboratory, University of Chicago
Classification: Benign. Last evaluated: 2017-04-25. Review status: criteria provided, single submitter. Criteria: ACMG Guidelines, 2015. Collection method: clinical testing. Allele origin: germline. Affected: no.

PreventionGenetics, part of Exact Sciences
Classification: Benign for SASS6-related condition. Last evaluated: 2019-06-06. Review status: no assertion criteria provided. Collection method: clinical testing. Allele origin: germline. Not counted in ClinVar's aggregate classification.
Comment: This variant is classified as benign based on ACMG/AMP sequence variant interpretation guidelines (Richards et al. 2015 PMID: 25741868, with internal and published modifications).

NM_194292.3(SASS6):c.86G>A (p.Ser29Asn)

Gene: SASS6 (SAS-6 centriolar assembly protein; minus strand). Cytogenetic location: 1p21.2.
Variant type: single nucleotide variant.
Coding change: c.86G>A on transcript NM_194292.3 (MANE Select); coding-DNA position 86, G replaced by A.
Protein change: p.Ser29Asn; replaces serine 29 with asparagine.
Molecular consequence: missense variant. On other transcripts: 5 prime UTR variant (1).
Genome position (GRCh38, 1-based): chr1:100,125,922, C>T on the plus strand (G>A on the coding strand, the complement: SASS6 is on the minus strand). VCF-style: chr1-100125922-C-T. GRCh37 (hg19) VCF-style: chr1-100591478-C-T.
Other names: c.-336G>A (NM_001304829.2); short protein forms S29N.
Identifiers: ClinVar variation 436635 (VCV000436635.12), dbSNP rs150589706, ClinGen allele CA968643.